The following is an entry in ClinVar:

ClinVar aggregate classification (germline): Likely pathogenic (1 of 4 stars; one submission).

Conditions:
Leber congenital amaurosis 13 (LCA13). Identifiers: MedGen C2675186, MONDO:0012990, OMIM 612712.

Allele frequency attached by ClinVar (database versions not stated): gnomAD exomes below 0.00001; TOPMed below 0.00001; ESP Exome Variant Server 0.00008.
gnomAD v4.1: 5 of 1,589,234 alleles (0.00031%); highest among the groups gnomAD compares: Non-Finnish European, 0.00043%; no homozygotes.

Submission:

Labcorp Genetics (formerly Invitae), Labcorp
Classification: Likely pathogenic for Leber congenital amaurosis 13. Last evaluated: 2022-09-15. Review status: criteria provided, single submitter. Criteria: Invitae Variant Classification Sherloc (09022015). Collection method: clinical testing. Allele origin: germline.
Comment: In summary, the currently available evidence indicates that the variant is pathogenic, but additional data are needed to prove that conclusively. Therefore, this variant has been classified as Likely Pathogenic. Algorithms developed to predict the effect of sequence changes on RNA splicing suggest that this variant may disrupt the consensus splice site. ClinVar contains an entry for this variant (Variation ID: 1501090). This variant has not been reported in the literature in individuals affected with RDH12-related conditions. This variant is not present in population databases (gnomAD no frequency). This sequence change affects an acceptor splice site in intron 3 of the RDH12 gene. It is expected to disrupt RNA splicing. Variants that disrupt the donor or acceptor splice site typically lead to a loss of protein function (PMID: 16199547), and loss-of-function variants in RDH12 are known to be pathogenic (PMID: 17964524, 22065924, 32014858, 34001834).

Literature cited by the submitters: PubMed 16199547; PubMed 17964524; PubMed 22065924; PubMed 32014858; PubMed 34001834.

NM_152443.3(RDH12):c.69-1G>A

Genes: GPHN (gephyrin; plus strand), RDH12 (retinol dehydrogenase 12; plus strand). Cytogenetic location: 14q24.1.
Variant type: single nucleotide variant.
Coding change: c.69-1G>A on transcript NM_152443.3 (MANE Select); the canonical splice acceptor site of the intron before coding-DNA position 69, G replaced by A.
Molecular consequence: splice acceptor variant.
Genome position (GRCh38, 1-based): chr14:67,724,472, G>A. VCF-style: chr14-67724472-G-A. GRCh37 (hg19) VCF-style: chr14-68191189-G-A.
Identifiers: ClinVar variation 1501090 (VCV001501090.9), dbSNP rs373279009, ClinGen allele CA262808522.
Genomic context (GRCh38, chr14:67,724,472, plus strand): 5'-CGTATCTTAGTGTGAGCTCGTGAAGGATGGTACGTGATGCTCTTGTTTCCCTTGCCGATA[G>A]GAAGTTCTTTGCTGGTGGAGTGTGTAGAACAAATGTGCAGCTTCCTGGCAAGGTAGTGGT-3'